The following is an entry in ClinVar:

ClinVar aggregate classification (germline): Benign/Likely benign. Review status: criteria provided, multiple submitters, no conflicts (2 of 4 stars). 6 submissions from 6 submitters: Benign (5); Likely benign (1). Last evaluated 2026-01-31.

Conditions:
Oculotrichoanal syndrome (MOTA). Also called: MARLES SYNDROME; Manitoba Oculotrichoanal (MOTA) Syndrome. Identifiers: Orphanet 2717, MedGen C1855425, MONDO:0009560, OMIM 248450.

Allele frequency attached by ClinVar (database versions not stated): gnomAD exomes 0.01037; ExAC 0.01222; gnomAD 0.03898; ESP Exome Variant Server 0.04231; TOPMed 0.04440; 1000 Genomes Project 0.04553; 1000 Genomes Project 30x 0.04950.
gnomAD v4.1: 12,266 of 1,613,912 alleles (0.76%); highest among the groups gnomAD compares: African/African-American, 14%; 789 homozygotes.

Submissions (6):

Labcorp Genetics (formerly Invitae), Labcorp
Classification: Benign. Last evaluated: 2026-01-31. Review status: criteria provided, single submitter. Criteria: Invitae Variant Classification Sherloc (09022015). Collection method: clinical testing. Allele origin: germline.

Blueprint Genetics
Classification: Likely benign. Last evaluated: 2024-11-20. Review status: criteria provided, single submitter. Criteria: ACMG Guidelines, 2015. Collection method: clinical testing. Allele origin: germline.

Mayo Clinic Laboratories, Mayo Clinic
Classification: Benign. Last evaluated: 2023-03-26. Review status: criteria provided, single submitter. Criteria: ACMG Guidelines, 2015. Collection method: clinical testing. Allele origin: germline. Observed: 5 variant alleles.

GeneDx
Classification: Benign. Last evaluated: 2021-05-05. Review status: criteria provided, single submitter. Criteria: GeneDx Variant Classification Process June 2021. Collection method: clinical testing. Allele origin: germline. Affected: yes.

Illumina Laboratory Services, Illumina
Classification: Benign for Oculotrichoanal syndrome. Last evaluated: 2018-01-13. Review status: criteria provided, single submitter. Criteria: ICSL Variant Classification Criteria 13 December 2019. Collection method: clinical testing. Allele origin: germline.
Comment: This variant was observed in the ICSL laboratory as part of a predisposition screen in an ostensibly healthy population. It had not been previously curated by ICSL or reported in the Human Gene Mutation Database (HGMD: prior to June 1st, 2018), and was therefore a candidate for classification through an automated scoring system. Utilizing variant allele frequency, disease prevalence and penetrance estimates, and inheritance mode, an automated score was calculated to assess if this variant is too frequent to cause the disease. Based on the score and internal cut-off values, a variant classified as benign is not then subjected to further curation. The score for this variant resulted in a classification of benign for this disease.

Breakthrough Genomics
Classification: Benign. Review status: criteria provided, single submitter. Criteria: ACMG Guidelines, 2015. Collection method: not provided. Allele origin: germline. Inheritance: Autosomal recessive inheritance. Affected: yes.

NM_001379081.2(FREM1):c.2277T>C (p.Gly759=)

Gene: FREM1 (FRAS1 related extracellular matrix 1; minus strand). Cytogenetic location: 9p22.3.
Variant type: single nucleotide variant.
Coding change: c.2277T>C on transcript NM_001379081.2 (MANE Select); coding-DNA position 2277, T replaced by C.
Protein change: p.Gly759=; no amino-acid change (glycine 759 retained).
Molecular consequence: synonymous variant. On other transcripts: non-coding transcript variant (2).
Genome position (GRCh38, 1-based): chr9:14,823,220, A>G on the plus strand (T>C on the coding strand, the complement: FREM1 is on the minus strand). VCF-style: chr9-14823220-A-G. GRCh37 (hg19) VCF-style: chr9-14823218-A-G.
Other names: p.Gly759=; c.2277T>C, p.Gly759= (NM_144966.7).
Identifiers: ClinVar variation 366148 (VCV000366148.17), dbSNP rs16932323, ClinGen allele CA4990979.